The following is an entry in ClinVar:

NM_000053.4(ATP7B):c.*16G>A

Gene: ATP7B (ATPase copper transporting beta; minus strand). Cytogenetic location: 13q14.3.
Variant type: single nucleotide variant.
Coding change: c.*16G>A on transcript NM_000053.4 (MANE Select); 16 bases downstream of the stop codon, G replaced by A.
Molecular consequence: 3 prime UTR variant.
Genome position (GRCh38, 1-based): chr13:51,934,740, C>T on the plus strand (G>A on the coding strand, the complement: ATP7B is on the minus strand). VCF-style: chr13-51934740-C-T. GRCh37 (hg19) VCF-style: chr13-52508876-C-T.
Other names: c.*16G>A (NM_001005918.3, NM_001243182.2, NM_001330578.2 and 1 more transcripts).
Identifiers: ClinVar variation 35734 (VCV000035734.34), dbSNP rs193922100, ClinGen allele CA260156.

ClinVar aggregate classification (germline): Conflicting classifications of pathogenicity. Review status: criteria provided, conflicting classifications (1 of 4 stars). 5 submissions from 5 submitters: Uncertain significance (2); Benign (1); Likely benign (2). Last evaluated 2026-09-01.

Conditions:
Wilson disease (WND). Also called: Wilson's disease. Identifiers: Orphanet 905, MedGen C0019202, MONDO:0010200, OMIM 277900. Disease mechanism: loss of function.

Allele frequency attached by ClinVar (database versions not stated): 1000 Genomes Project 30x 0.00062; ExAC 0.00121; gnomAD 0.00105 and 0.00098; 1000 Genomes Project 0.00060; gnomAD exomes 0.00111 and 0.00114; ESP Exome Variant Server 0.00109; TOPMed 0.00079.
gnomAD v4.1: 1,812 of 1,612,330 alleles (0.11%); highest among the groups gnomAD compares: Non-Finnish European, 0.13%; 2 homozygotes.

Submissions (5):

CeGaT Center for Human Genetics Tuebingen
Classification: Likely benign. Last evaluated: 2026-09-01. Review status: criteria provided, single submitter. Criteria: CeGaT Center For Human Genetics Tuebingen Variant Classification Criteria Version 2. Collection method: clinical testing. Allele origin: germline. Affected: yes. Observed: 3 variant alleles.
Comment: ATP7B: PM2, PM3:Supporting, BS2

Women's Health and Genetics/Laboratory Corporation of America, LabCorp
Classification: Uncertain significance. Last evaluated: 2025-04-15. Review status: criteria provided, single submitter. Criteria: LabCorp Variant Classification Summary - May 2015. Collection method: clinical testing. Allele origin: germline.
Comment: Variant summary: ATP7B c.*16G>A is located in the untranslated mRNA region downstream of the termination codon. The variant allele was found at a frequency of 0.0011 in 1612330 control chromosomes, predominantly at a frequency of 0.0013 within the Non-Finnish European subpopulation in the gnomAD database, including 2 homozygotes. This frequency is not significantly higher than estimated for a pathogenic variant in ATP7B causing Wilson Disease (0.0011 vs 0.0054), allowing no strong conclusion about variant significance. c.*16G>A has been reported in the literature as a VUS in at least one individual affected with Wilson Disease as well as in unaffected controls (example, Stalke_2018, Coffey_2013). These reports do not provide unequivocal conclusions about association of the variant with Wilson Disease. To our knowledge, no experimental evidence demonstrating an impact on protein function has been reported. The following publications have been ascertained in the context of this evaluation (PMID: 23518715, 28776642). ClinVar contains an entry for this variant (Variation ID: 35734). Based on the evidence outlined above, the variant was classified as VUS-possibly benign.

Labcorp Genetics (formerly Invitae), Labcorp
Classification: Benign for Wilson disease. Last evaluated: 2023-09-21. Review status: criteria provided, single submitter. Criteria: Invitae Variant Classification Sherloc (09022015). Collection method: clinical testing. Allele origin: germline.

GeneDx
Classification: Likely benign. Last evaluated: 2018-01-29. Review status: criteria provided, single submitter. Criteria: GeneDx Variant Classification Process June 2021. Collection method: clinical testing. Allele origin: germline. Affected: yes.
Comment: This variant is associated with the following publications: (PMID: 28776642)

Illumina Laboratory Services, Illumina
Classification: Uncertain significance for Wilson disease. Last evaluated: 2018-01-12. Review status: criteria provided, single submitter. Criteria: ICSL Variant Classification Criteria 13 December 2019. Collection method: clinical testing. Allele origin: germline.

Literature cited by the submitters: PubMed 23518715 (cited by Women's Health and Genetics/Laboratory Corporation of America, LabCorp); PubMed 28776642 (cited by Women's Health and Genetics/Laboratory Corporation of America, LabCorp).